The following is an entry in ClinVar:

NM_004006.3(DMD):c.6820G>A (p.Gly2274Arg)

Gene: DMD (dystrophin; minus strand). Cytogenetic location: Xp21.1.
Variant type: single nucleotide variant.
Coding change: c.6820G>A on transcript NM_004006.3 (MANE Select); coding-DNA position 6820, G replaced by A.
Protein change: p.Gly2274Arg; replaces glycine 2274 with arginine.
Molecular consequence: missense variant. On other transcripts: 5 prime UTR variant (5).
Genome position (GRCh38, 1-based): chrX:31,929,688, C>T on the plus strand (G>A on the coding strand, the complement: DMD is on the minus strand). VCF-style: chrX-31929688-C-T. GRCh37 (hg19) VCF-style: chrX-31947805-C-T.
Other names: c.6796G>A, p.Gly2266Arg (NM_000109.4); c.6808G>A, p.Gly2270Arg (NM_004009.3); c.6451G>A, p.Gly2151Arg (NM_004010.3); c.2797G>A, p.Gly933Arg (NM_004011.4); c.2788G>A, p.Gly930Arg (NM_004012.4); c.-561G>A (NM_004013.3, NM_004020.4, NM_004021.3 and 2 more transcripts); short protein forms G2151R, G2270R, G2266R, G2274R, G930R, G933R.
Identifiers: ClinVar variation 2992674 (VCV002992674.3), dbSNP rs2533418503, ClinGen allele CA412657950.

ClinVar aggregate classification (germline): Uncertain significance (1 of 4 stars; one submission).

Conditions:
Duchenne muscular dystrophy (DMD). Also called: MUSCULAR DYSTROPHY, PSEUDOHYPERTROPHIC PROGRESSIVE, DUCHENNE TYPE; Duchenne Muscular Dystrophy (DMD). Identifiers: Orphanet 98896, MedGen C0013264, MONDO:0010679, OMIM 310200.

Submission:

Labcorp Genetics (formerly Invitae), Labcorp
Classification: Uncertain significance for Duchenne muscular dystrophy. Last evaluated: 2023-03-13. Review status: criteria provided, single submitter. Criteria: Invitae Variant Classification Sherloc (09022015). Collection method: clinical testing. Allele origin: germline.
Comment: In summary, the available evidence is currently insufficient to determine the role of this variant in disease. Therefore, it has been classified as a Variant of Uncertain Significance. Advanced modeling of protein sequence and biophysical properties (such as structural, functional, and spatial information, amino acid conservation, physicochemical variation, residue mobility, and thermodynamic stability) performed at Invitae indicates that this missense variant is not expected to disrupt DMD protein function. This variant has not been reported in the literature in individuals affected with DMD-related conditions. This variant is not present in population databases (gnomAD no frequency). This sequence change replaces glycine, which is neutral and non-polar, with arginine, which is basic and polar, at codon 2274 of the DMD protein (p.Gly2274Arg).